The following is an entry in ClinVar:

ClinVar aggregate classification (germline): Benign/Likely benign. Review status: criteria provided, multiple submitters, no conflicts (2 of 4 stars). 3 submissions from 3 submitters: Benign (1); Likely benign (2). Last evaluated 2024-07-12.

Conditions:
Hereditary cancer-predisposing syndrome. Also called: Tumor predisposition; Hereditary neoplastic syndrome; Hereditary Cancer Syndrome; Neoplastic Syndromes, Hereditary. Identifiers: Orphanet 140162, MedGen C0027672, MeSH D009386, MONDO:0015356.
BAP1-related tumor predisposition syndrome (TPDS1). Also called: Tumor susceptibility linked to germline BAP1 mutations; COMMON Syndrome; TUMOR PREDISPOSITION SYNDROME 1; BAP1 tumor predisposition syndrome. Identifiers: Orphanet 289539, MedGen C3280492, MONDO:0013692, OMIM 614327.

gnomAD v4.1: 4 of 1,613,998 alleles (0.00025%); highest among the groups gnomAD compares: Non-Finnish European, 0.00034%; no homozygotes.

Submissions (3):

Myriad Genetics, Inc.
Classification: Benign for BAP1-related tumor predisposition syndrome. Last evaluated: 2024-07-12. Review status: criteria provided, single submitter. Criteria: Myriad Autosomal Dominant, Autosomal Recessive and X-Linked Classification Criteria (2023). Collection method: clinical testing. Allele origin: unknown.
Comment: This variant is considered benign. This variant is a silent/synonymous amino acid change and it is not expected to impact splicing.

Ambry Genetics
Classification: Likely benign for Hereditary cancer-predisposing syndrome. Last evaluated: 2023-10-12. Review status: criteria provided, single submitter. Criteria: Ambry Variant Classification Scheme 2023. Collection method: clinical testing. Allele origin: germline.

Color Diagnostics, LLC DBA Color Health
Classification: Likely benign for Hereditary cancer-predisposing syndrome. Last evaluated: 2020-10-12. Review status: criteria provided, single submitter. Criteria: ACMG Guidelines, 2015. Collection method: clinical testing. Allele origin: germline.

NM_004656.4(BAP1):c.354C>T (p.Phe118=)

Gene: BAP1 (BRCA1 associated deubiquitinase 1; minus strand). Cytogenetic location: 3p21.1.
Variant type: single nucleotide variant.
Coding change: c.354C>T on transcript NM_004656.4 (MANE Select); coding-DNA position 354, C replaced by T.
Protein change: p.Phe118=; no amino-acid change (phenylalanine 118 retained).
Molecular consequence: synonymous variant.
Genome position (GRCh38, 1-based): chr3:52,407,979, G>A on the plus strand (C>T on the coding strand, the complement: BAP1 is on the minus strand). VCF-style: chr3-52407979-G-A. GRCh37 (hg19) VCF-style: chr3-52441995-G-A.
Other names: c.354C>T (NM_004656.2).
Identifiers: ClinVar variation 1171131 (VCV001171131.4), dbSNP rs2153228086, ClinGen allele CA433777626.
Genomic context (GRCh38, chr3:52,407,979, plus strand): 5'-CAGTTGGCTGTGAGCCAGGATGAAGGCACTGCAGCCTACCTCAGGGCTGAAACCCTTGGT[G>A]AAGTCCTTCATGCGACTCAGGGTGGGTCCCAGGTCCACGCTGCTGCAGTTCAGGAGCACG-3'
Protein context (NP_004647.1, residues 108-128): LGPTLSRMKD[Phe118=]TKGFSPESKG